The following is an entry in ClinVar:

ClinVar aggregate classification (germline): Uncertain significance. Review status: criteria provided, multiple submitters, no conflicts (2 of 4 stars). 2 submissions from 2 submitters: Uncertain significance (2). Last evaluated 2025-06-04.

gnomAD v4.1: 7 of 1,613,624 alleles (0.00043%); highest among the groups gnomAD compares: South Asian, 0.0077%; no homozygotes.

Submissions (2):

GeneDx
Classification: Uncertain significance. Last evaluated: 2025-06-04. Review status: criteria provided, single submitter. Criteria: GeneDx Variant Classification Process June 2021. Collection method: clinical testing. Allele origin: germline. Affected: yes.
Comment: Not observed at significant frequency in large population cohorts (gnomAD); In silico analysis suggests that this missense variant does not alter protein structure/function; Has not been previously published as pathogenic or benign to our knowledge

Women's Health and Genetics/Laboratory Corporation of America, LabCorp
Classification: Uncertain significance. Last evaluated: 2021-11-06. Review status: criteria provided, single submitter. Criteria: LabCorp Variant Classification Summary - May 2015. Collection method: clinical testing. Allele origin: germline.
Comment: Variant summary: NEB c.5849A>C (p.Lys1950Thr) results in a non-conservative amino acid change in the encoded protein sequence. Three of five in-silico tools predict a benign effect of the variant on protein function. The variant allele was found at a frequency of 4e-06 in 249078 control chromosomes. The available data on variant occurrences in the general population are insufficient to allow any conclusion about variant significance. To our knowledge, no occurrence of c.5849A>C in individuals affected with Nemaline Myopathy 2 and no experimental evidence demonstrating its impact on protein function have been reported. No clinical diagnostic laboratories have submitted clinical-significance assessments for this variant to ClinVar after 2014. Based on the evidence outlined above, the variant was classified as uncertain significance.

NM_001164508.2(NEB):c.5849A>C (p.Lys1950Thr)

Gene: NEB (nebulin; minus strand). Cytogenetic location: 2q23.3.
Variant type: single nucleotide variant.
Coding change: c.5849A>C on transcript NM_001164508.2 (MANE Select); coding-DNA position 5849, A replaced by C.
Protein change: p.Lys1950Thr; replaces lysine 1950 with threonine.
Molecular consequence: missense variant.
Genome position (GRCh38, 1-based): chr2:151,662,256, T>G on the plus strand (A>C on the coding strand, the complement: NEB is on the minus strand). VCF-style: chr2-151662256-T-G. GRCh37 (hg19) VCF-style: chr2-152518770-T-G.
Other names: c.5849A>C, p.Lys1950Thr (NM_001164507.2, NM_001271208.2, NM_004543.5); short protein forms K1950T.
Identifiers: ClinVar variation 1329006 (VCV001329006.4), dbSNP rs758655350, ClinGen allele CA1910259.
Genomic context (GRCh38, chr2:151,662,256, plus strand): 5'-GAATACTTCAAAGTGTCTGGGTGCTGGCGGTACTTCTTTTCACTAATAATCTCCATGGCT[T>G]TCTTGTTTTTCTCTGCTTCCAGGGAGCCCAGAGGGAGCCATCCAATGCCCTTCATGAAGT-3'
Protein context (NP_001157980.2, residues 1940-1960): LGSLEAEKNK[Lys1950Thr]AMEIISEKKY